The following is an entry in ClinVar:

ClinVar aggregate classification (germline): Uncertain significance (1 of 4 stars; one submission).

Submission:

Dasa
Classification: Uncertain significance. Last evaluated: 2026-01-02. Review status: criteria provided, single submitter. Criteria: DASA Assertion Criteria. Collection method: clinical testing. Allele origin: germline.
Comment: NM_178857.6(RP1L1):c.4026_4027insACAGAAGAAGGGCTGCAAGAAGAGGCGGTGCAGTTAGAGGGGACTAAAGTAATAGAAGGGCTGCAAGAAGAGAGGGTGCAGTTAGAGGAAACTAAA (p.Lys1342_Glu1343insThrGluGluGlyLeuGlnGluGluAlaValGlnLeuGluGlyThrLysValIleGluGlyLeuGlnGluGluArgValGlnLeuGluGluThrLys) is an in-frame insertion/deletion-insertion predicted to alter the protein sequence without shifting the reading frame. This variant is rare in population databases. The currently available literature and clinical evidence are not sufficient to establish a definitive association between this variant and the reported condition. Therefore, this variant is classified as a variant of uncertain significance.

NM_178857.6(RP1L1):c.4026_4027insACAGAAGAAGGGCTGCAAGAAGAGGCGGTGCAGTTAGAGGGGACTAAAGTAATAGAAGGGCTGCAAGAAGAGAGGGTGCAGTTAGAGGAAACTAAA (p.Lys1342_Glu1343insThrGluGluGlyLeuGlnGluGluAlaValGlnLeuGluGlyThrLysValIleGluGlyLeuGlnGluGluArgValGlnLeuGluGluThrLys)

Gene: RP1L1 (RP1 like 1). Cytogenetic location: 8p23.1.
Variant type: Insertion.
Coding change: c.4026_4027insACAGAAGAAGGGCTGCAAGAAGAGGCGGTGCAGTTAGAGGGGACTAAAGTAATAGAAGGGCTGCAAGAAGAGAGGGTGCAGTTAGAGGAAACTAAA on transcript NM_178857.6 (MANE Select); coding-DNA positions 4026 to 4027, ACAGAAGAAGGGCTGCAAGAAGAGGCGGTGCAGTTAGAGGGGACTAAAGTAATAGAAGGGCTGCAAGAAGAGAGGGTGCAGTTAGAGGAAACTAAA inserted.
Protein change: p.Lys1342_Glu1343insThrGluGluGlyLeuGlnGluGluAlaValGlnLeuGluGlyThrLysValIleGluGlyLeuGlnGluGluArgValGlnLeuGluGluThrLys.
Molecular consequence: inframe insertion.
Genome position: GRCh38: chr8:10,610,094-10,610,095. GRCh37 (hg19): chr8:10,467,604-10,467,605.
Identifiers: ClinVar variation 4884151 (VCV004884151.2).